The following is an entry in ClinVar:

NM_006019.4(TCIRG1):c.813C>T (p.Leu271=)

Gene: TCIRG1 (T cell immune regulator 1, ATPase H+ transporting V0 subunit a3; plus strand). Cytogenetic location: 11q13.2.
Variant type: single nucleotide variant.
Coding change: c.813C>T on transcript NM_006019.4 (MANE Select); coding-DNA position 813, C replaced by T.
Protein change: p.Leu271=; no amino-acid change (leucine 271 retained).
Molecular consequence: synonymous variant. On other transcripts: 5 prime UTR variant (1).
Genome position (GRCh38, 1-based): chr11:68,044,137, C>T. VCF-style: chr11-68044137-C-T. GRCh37 (hg19) VCF-style: chr11-67811604-C-T.
Other names: c.-82C>T (NM_001351059.2); c.165C>T, p.Leu55= (NM_006053.4).
Identifiers: ClinVar variation 776632 (VCV000776632.18), dbSNP rs377108710, ClinGen allele CA6146832.
Genomic context (GRCh38, chr11:68,044,137, plus strand): 5'-GCCCAGCCACCCCACCTGCCTGCCCAGCCCCCGCTGACTGCCCACTCTGGCGCAGGTCCT[C>T]GGGGAGACAGAGCGGTTCCTGAGCCAGGTGCTAGGCCGGGTGCTGCAGCTGCTGCCGCCA-3'
Protein context (NP_006010.2, residues 261-281): QQQSQELQEV[Leu271=]GETERFLSQV

ClinVar aggregate classification (germline): Benign/Likely benign. Review status: criteria provided, multiple submitters, no conflicts (2 of 4 stars). 4 submissions from 4 submitters: Benign (1); Likely benign (1). 2 of the submissions do not count toward it. Last evaluated 2026-01-28.

Conditions:
Autosomal recessive osteopetrosis 1. Also called: TCIRG1-Related Autosomal Recessive Osteopetrosis; ALBERS-SCHONBERG DISEASE, AUTOSOMAL RECESSIVE; TCIRG1-Related Osteopetrosis. Identifiers: Orphanet 667, MedGen C1850127, MONDO:0009815, OMIM 259700.
TCIRG1-related disorder. Also called: TCIRG1-related condition.

Allele frequency attached by ClinVar (database versions not stated): gnomAD exomes 0.00029; ExAC 0.00062; 1000 Genomes Project 0.00080; 1000 Genomes Project 30x 0.00094; gnomAD 0.00099; TOPMed 0.00104; ESP Exome Variant Server 0.00123.
gnomAD v4.1: 295 of 1,548,710 alleles (0.019%); highest among the groups gnomAD compares: African/African-American, 0.35%; no homozygotes.

Submissions (4):

Labcorp Genetics (formerly Invitae), Labcorp
Classification: Benign. Last evaluated: 2026-01-28. Review status: criteria provided, single submitter. Criteria: Invitae Variant Classification Sherloc (09022015). Collection method: clinical testing. Allele origin: germline.

CeGaT Center for Human Genetics Tuebingen
Classification: Likely benign. Last evaluated: 2026-01-01. Review status: criteria provided, single submitter. Criteria: CeGaT Center For Human Genetics Tuebingen Variant Classification Criteria Version 2. Collection method: clinical testing. Allele origin: germline. Affected: yes. Observed: 1 variant allele.
Comment: TCIRG1: BP4, BP7

PreventionGenetics, part of Exact Sciences
Classification: Likely benign for TCIRG1-related condition. Last evaluated: 2023-09-16. Review status: no assertion criteria provided. Collection method: clinical testing. Allele origin: germline. Not counted in ClinVar's aggregate classification.
Comment: This variant is classified as likely benign based on ACMG/AMP sequence variant interpretation guidelines (Richards et al. 2015 PMID: 25741868, with internal and published modifications).

Natera, Inc.
Classification: Likely benign for Infantile malignant osteopetrosis. Last evaluated: 2019-10-23. Review status: no assertion criteria provided. Collection method: clinical testing. Allele origin: germline. Not counted in ClinVar's aggregate classification.